The following is an entry in ClinVar:

NM_005045.4(RELN):c.-24GGC[13] (p.Met1_Glu2insGlyGlyGlyGlyGly)

Gene: RELN (reelin; minus strand). Cytogenetic location: 7q22.1.
Variant type: Microsatellite.
Coding change: c.-24GGC[13] on transcript NM_005045.4 (MANE Select); 13 copies in a row of the 3-base unit GGC starting at c.-24; the reference has eight copies in a row; five copies, 15 bases duplicated.
Protein change: p.Met1_Glu2insGlyGlyGlyGlyGly.
Molecular consequence: inframe insertion.
Genome position (GRCh38, 1-based): chr7:103,989,357-103,989,371, GCCGCCGCCGCCGCC duplicated on the plus strand (GGCGGCGGCGGCGGC on the coding strand, the reverse complement: RELN is on the minus strand); duplicating any 15 consecutive bases within chr7:103,989,357-103,989,382 gives the same sequence; the position shown is the placement nearest the transcript's 3' end. VCF-style (leftmost placement, unchanged base first): chr7-103989356-T-TGCCGCCGCCGCCGCC. GRCh37 (hg19) VCF-style: chr7-103629803-T-TGCCGCCGCCGCCGCC.
Other names: c.-24GGC[13], p.Met1_Glu2insGlyGlyGlyGlyGly (NM_173054.3); c.-15_-1dup (NM_005045.4).
Identifiers: ClinVar variation 358425 (VCV000358425.12), dbSNP rs55656324, ClinGen allele CA4422751.

ClinVar aggregate classification (germline): Benign/Likely benign. Review status: criteria provided, multiple submitters, no conflicts (2 of 4 stars). 6 submissions from 6 submitters: Benign (2); Likely benign (1). 3 of the submissions do not count toward it. Last evaluated 2024-11-27.

Conditions:
RELN-related disorder. Also called: RELN-related condition.

Submissions (6):

Blueprint Genetics
Classification: Likely benign. Last evaluated: 2024-11-27. Review status: criteria provided, single submitter. Criteria: ACMG Guidelines, 2015. Collection method: clinical testing. Allele origin: germline.

Mayo Clinic Laboratories, Mayo Clinic
Classification: Benign. Last evaluated: 2022-07-06. Review status: criteria provided, single submitter. Criteria: ACMG Guidelines, 2015. Collection method: clinical testing. Allele origin: germline. Observed: 31 variant alleles.
Comment: BS1, BS2

GeneDx
Classification: Benign. Last evaluated: 2015-03-03. Review status: criteria provided, single submitter. Criteria: GeneDx Variant Classification Process June 2021. Collection method: clinical testing. Allele origin: germline. Affected: yes.

PreventionGenetics, part of Exact Sciences
Classification: Benign for RELN-related condition. Last evaluated: 2021-09-16. Review status: no assertion criteria provided. Collection method: clinical testing. Allele origin: germline. Not counted in ClinVar's aggregate classification.
Comment: This variant is classified as benign based on ACMG/AMP sequence variant interpretation guidelines (Richards et al. 2015 PMID: 25741868, with internal and published modifications).

Clinical Genetics DNA and cytogenetics Diagnostics Lab, Erasmus MC, Erasmus Medical Center
Classification: Benign. Review status: no assertion criteria provided. Collection method: clinical testing. Allele origin: germline. Affected: yes. Study: VKGL Data-share Consensus. Not counted in ClinVar's aggregate classification.

Clinical Genetics, Academic Medical Center
Classification: Benign. Review status: no assertion criteria provided. Collection method: clinical testing. Allele origin: germline. Affected: yes. Study: VKGL Data-share Consensus. Not counted in ClinVar's aggregate classification.